The following is an entry in ClinVar:

NM_007175.8(ERLIN2):c.969_973del (p.Ser324fs)

Gene: ERLIN2 (ER lipid raft associated 2; plus strand). Cytogenetic location: 8p11.23.
Variant type: Microsatellite.
Coding change: c.969_973del on transcript NM_007175.8 (MANE Select); coding-DNA positions 969 to 973, 5 bases deleted (AAGCT; older notation c.969_973delAAGCT).
Protein change: p.Ser324fs; shifts the reading frame from serine 324.
Molecular consequence: frameshift variant.
Genome position (GRCh38, 1-based): chr8:37,754,064-37,754,068, AAGCT deleted; deleting any 5 consecutive bases within chr8:37,754,059-37,754,068 gives the same sequence; the c. name uses the placement nearest the transcript's 3' end. VCF-style (leftmost placement, unchanged base first): chr8-37754058-CAAGCT-C. GRCh37 (hg19) VCF-style: chr8-37611576-CAAGCT-C.
Other names: c.969_973del, p.Ser324fs (NM_001362878.2); short protein forms S324fs.
Identifiers: ClinVar variation 4540447 (VCV004540447.1).

ClinVar aggregate classification (germline): Likely pathogenic (1 of 4 stars; one submission).

Conditions:
Spastic paraplegia 18b, autosomal recessive (SPG18B). Also called: INTELLECTUAL DISABILITY, MOTOR DYSFUNCTION, AND JOINT CONTRACTURES. Identifiers: MedGen CN380649, MONDO:0700309, OMIM 611225.

Submission:

Genetic Foundation of Khorasan Razavi (GFKR)
Classification: Likely pathogenic for Spastic paraplegia 18b, autosomal recessive. Last evaluated: 2024-12-26. Review status: criteria provided, single submitter. Criteria: ACMG Guidelines, 2015. Collection method: clinical testing. Allele origin: inherited. Affected: yes. Observed: 1 homozygote.
Comment: This variant introduces a premature stop codon, which is expected to result in nonsense-mediated decay or a severely truncated protein. Loss of function is a well-established disease mechanism for this gene. In addition,the variant is rare in population databases.